The following is an entry in ClinVar:

ClinVar aggregate classification (germline): Conflicting classifications of pathogenicity. Review status: criteria provided, conflicting classifications (1 of 4 stars). 7 submissions from 7 submitters: Pathogenic (1); Likely pathogenic (3); Uncertain significance (3). Last evaluated 2025-12-23.

Conditions:
Hereditary cancer-predisposing syndrome. Also called: Neoplastic Syndromes, Hereditary; Hereditary Cancer Syndrome; Hereditary neoplastic syndrome; Tumor predisposition. Identifiers: Orphanet 140162, MedGen C0027672, MeSH D009386, MONDO:0015356.
Multiple endocrine neoplasia, type 1 (MEN1). Also called: MEN I; WERMER SYNDROME; Endocrine adenomatosis multiple; MEN 1; MEA I. Identifiers: Orphanet 652, MedGen C0025267, MeSH D018761, MONDO:0007540, OMIM 131100.

Allele frequency attached by ClinVar (database versions not stated): gnomAD 0.00001; gnomAD exomes below 0.00001; TOPMed 0.00001.

Submissions (7):

Dasa
Classification: Uncertain significance for Multiple endocrine neoplasia, type 1. Last evaluated: 2025-12-23. Review status: criteria provided, single submitter. Criteria: DASA Assertion Criteria. Collection method: clinical testing. Allele origin: germline.
Comment: NM_001370259.2(MEN1):c.466G>A (p.Gly156Ser) is a missense variant that results in the substitution of glycine with serine. The affected residue or protein region has prior evidence supporting clinical relevance. This variant is rare in population databases. Computational prediction algorithms are consistent with a deleterious effect. The currently available literature and clinical evidence are not sufficient to establish a definitive association between this variant and the reported condition. Therefore, this variant is classified as a variant of uncertain significance.

Labcorp Genetics (formerly Invitae), Labcorp
Classification: Likely pathogenic for Multiple endocrine neoplasia, type 1. Last evaluated: 2025-03-30. Review status: criteria provided, single submitter. Criteria: Invitae Variant Classification Sherloc (09022015). Collection method: clinical testing. Allele origin: germline.
Comment: This sequence change replaces glycine, which is neutral and non-polar, with serine, which is neutral and polar, at codon 156 of the MEN1 protein (p.Gly156Ser). This variant is not present in population databases (gnomAD no frequency). This missense change has been observed in individual(s) with multiple endocrine neoplasia type 1 (PMID: 17623761). ClinVar contains an entry for this variant (Variation ID: 579486). Invitae Evidence Modeling of protein sequence and biophysical properties (such as structural, functional, and spatial information, amino acid conservation, physicochemical variation, residue mobility, and thermodynamic stability) indicates that this missense variant is expected to disrupt MEN1 protein function with a positive predictive value of 95%. This variant disrupts the p.Gly156 amino acid residue in MEN1. Other variant(s) that disrupt this residue have been determined to be pathogenic (PMID: 10090472, 29039523; internal data). This suggests that this residue is clinically significant, and that variants that disrupt this residue are likely to be disease-causing. In summary, the currently available evidence indicates that the variant is pathogenic, but additional data are needed to prove that conclusively. Therefore, this variant has been classified as Likely Pathogenic.

GeneDx
Classification: Likely pathogenic. Last evaluated: 2025-03-05. Review status: criteria provided, single submitter. Criteria: GeneDx Variant Classification Process June 2021. Collection method: clinical testing. Allele origin: germline. Affected: yes.
Comment: Observed in an individual with multiple endocrine neoplasia type 1 in published literature; however, this individual also harbored a second MEN1 variant (PMID: 17623761); Not observed at significant frequency in large population cohorts (gnomAD); In silico analysis supports that this missense variant has a deleterious effect on protein structure/function; This variant is associated with the following publications: (PMID: 35199646, 9989505, 17623761)

Ambry Genetics
Classification: Uncertain significance for Hereditary cancer-predisposing syndrome. Last evaluated: 2025-01-16. Review status: criteria provided, single submitter. Criteria: Ambry Variant Classification Scheme 2023. Collection method: clinical testing. Allele origin: germline.
Comment: The p.G156S variant (also known as c.466G>A), located in coding exon 2 of the MEN1 gene, results from a G to A substitution at nucleotide position 466. The glycine at codon 156 is replaced by serine, an amino acid with similar properties. This amino acid position is highly conserved in available vertebrate species. In addition, this alteration is predicted to be deleterious by in silico analysis. Since supporting evidence is limited at this time, the clinical significance of this alteration remains unclear.

Institute for Genomic Medicine (IGM) Clinical Laboratory, Nationwide Children's Hospital
Classification: Likely pathogenic for Multiple endocrine neoplasia, type 1. Last evaluated: 2024-12-19. Review status: criteria provided, single submitter. Criteria: ACMG Guidelines, 2015. Collection method: clinical testing. Allele origin: germline.
Comment: This variant has been reported at an elevated frequency in affected individuals/in multiple affected individuals in the literature (ACMG/AMP: PS4_Supporting; PMID:17623761). This variant is absent from or present at an exceedingly low frequency in gnomAD, a large-scale control population database (ACMG/AMP: PM2). A different substitution at this amino acid position has been reported as pathogenic (ACMG/AMP: PM5). This variant occurs in a gene with a low rate of benign missense variation, in which missense alterations are a common mechanism of disease (ACMG/AMP: PP2). This variant is predicted to alter protein function or structure, or disrupt splicing by multiple in silico tools (ACMG/AMP: PP3).

All of Us Research Program, National Institutes of Health
Classification: Uncertain significance for Multiple endocrine neoplasia, type 1. Last evaluated: 2024-06-17. Review status: criteria provided, single submitter. Criteria: ACMG Guidelines, 2015. Collection method: clinical testing. Allele origin: germline. Inheritance: Autosomal dominant inheritance. Observed: 2 variant alleles, 2 heterozygotes.
Comment: This missense variant replaces glycine with serine at codon 156 of the MEN1 protein. Computational prediction suggests that this variant may have deleterious impact on protein structure and function (internally defined REVEL score threshold >= 0.7, PMID: 27666373). To our knowledge, functional studies have not been reported for this variant. This variant has been reported in cis with MEN1 p.Ala160Pro in a family affected with multiple endocrine neoplasia type 1 (MEN1) (PMID: 17623761). The covariant, p.Ala160Pro, has been reported in multiple individuals affected with MEN1 (PMID: 9215689, 9463336, 12112656, 17623761) and has been shown in functional studies to impact MEN1 protein stability and protein-protein interactions (PMID: 9989505, 12509449, 21819486, 22090276) and it is also reported as disease-causing in ClinVar (variation ID: 579050). Other missense substitutions of glycine 156 with aspartic acid, arginine, cysteine and valine have been reported in individuals and families affected with MEN1 diagnosis and/or associated tumors (PMID: 10090472, 17623761, 17766710, 22026581, 28458907) and the former three substitutions have been reported as disease-causing in ClinVar (variation ID: 381625, 426144, 988303). An experimental study also has reported that p.Gly156Cys in the mouse protein results in protein instability (PMID: 21819486). This variant has not been identified in the general population by the Genome Aggregation Database (gnomAD). The available evidence is insufficient to determine the role of this variant in disease conclusively. Therefore, this variant is classified as a Variant of Uncertain Significance.

This study involves interpretation of variants in research participants for the purpose of population health screening. Participant phenotype was not available at the time of variant classification. Additional details can be found in publication PMID: 35346344, PMCID: PMC8962531

Clinical Genetics and Genomics, Karolinska University Hospital
Classification: Pathogenic. Last evaluated: 2014-06-18. Review status: criteria provided, single submitter. Criteria: ACMG Guidelines, 2015. Collection method: clinical testing. Allele origin: germline. Affected: yes. Observed: 1 variant allele.

Literature cited by the submitters: PubMed 17623761 (cited by 3 submitters); PubMed 10090472 (cited by Labcorp Genetics (formerly Invitae), Labcorp and All of Us Research Program, National Institutes of Health); PubMed 29039523 (cited by Labcorp Genetics (formerly Invitae), Labcorp); PubMed 9215689 (cited by All of Us Research Program, National Institutes of Health); PubMed 9463336 (cited by All of Us Research Program, National Institutes of Health); PubMed 9989505 (cited by All of Us Research Program, National Institutes of Health); PubMed 12112656 (cited by All of Us Research Program, National Institutes of Health); PubMed 12509449 (cited by All of Us Research Program, National Institutes of Health); PubMed 17766710 (cited by All of Us Research Program, National Institutes of Health); PubMed 21819486 (cited by All of Us Research Program, National Institutes of Health); PubMed 22026581 (cited by All of Us Research Program, National Institutes of Health); PubMed 22090276 (cited by All of Us Research Program, National Institutes of Health); PubMed 28458907 (cited by All of Us Research Program, National Institutes of Health).

NM_001370259.2(MEN1):c.466G>A (p.Gly156Ser)

Gene: MEN1 (menin 1; minus strand). Cytogenetic location: 11q13.1.
Variant type: single nucleotide variant.
Coding change: c.466G>A on transcript NM_001370259.2 (MANE Select); coding-DNA position 466, G replaced by A.
Protein change: p.Gly156Ser; replaces glycine 156 with serine.
Molecular consequence: missense variant.
Genome position (GRCh38, 1-based): chr11:64,808,079, C>T on the plus strand (G>A on the coding strand, the complement: MEN1 is on the minus strand). VCF-style: chr11-64808079-C-T. GRCh37 (hg19) VCF-style: chr11-64575551-C-T.
Other names: c.481G>A, p.Gly161Ser (NM_000244.4, NM_130800.3, NM_130801.3 and 3 more transcripts); c.466G>A, p.Gly156Ser (NM_001370251.2, NM_001370260.2, NM_001370261.2 and 3 more transcripts); short protein forms G161S, G156S.
Identifiers: ClinVar variation 579486 (VCV000579486.22), dbSNP rs1085307471, ClinGen allele CA381186245.